The following is an entry in ClinVar:

NM_007194.4(CHEK2):c.1543-4T>C

Gene: CHEK2 (checkpoint kinase 2; minus strand). Cytogenetic location: 22q12.1.
Variant type: single nucleotide variant.
Coding change: c.1543-4T>C on transcript NM_007194.4 (MANE Select); 4 bases into the intron before coding-DNA position 1543, T replaced by C.
Molecular consequence: intron variant.
Genome position (GRCh38, 1-based): chr22:28,687,990, A>G on the plus strand (T>C on the coding strand, the complement: CHEK2 is on the minus strand). VCF-style: chr22-28687990-A-G. GRCh37 (hg19) VCF-style: chr22-29083978-A-G.
Other names: c.880-4T>C (NM_001437942.1, NM_001257387.3); c.1342-4T>C (NM_001349956.3); c.1456-4T>C (NM_145862.3); c.1549-4T>C (NM_001438295.1); c.1636-4T>C (NM_001438293.1); c.1585-4T>C (NM_001438294.1); c.1672-4T>C (NM_001005735.3); c.1543-4T>C (NM_007194.3).
Identifiers: ClinVar variation 1089317 (VCV001089317.12), dbSNP rs2145739718, ClinGen allele CA2499226044.

ClinVar aggregate classification (germline): Likely benign. Review status: criteria provided, multiple submitters, no conflicts (2 of 4 stars). 3 submissions from 3 submitters: Likely benign (3). Last evaluated 2026-07-08.

Conditions:
Hereditary cancer-predisposing syndrome. Also called: Neoplastic Syndromes, Hereditary; Tumor predisposition; Hereditary Cancer Syndrome; Hereditary neoplastic syndrome. Identifiers: Orphanet 140162, MedGen C0027672, MeSH D009386, MONDO:0015356.
Familial cancer of breast. Also called: Hereditary breast cancer; hereditary breast carcinoma; BREAST CANCER, FAMILIAL. Identifiers: Orphanet 227535, MedGen C0346153, MONDO:0016419, OMIM 114480. Disease mechanism: loss of function.

Submissions (3):

Ambry Genetics
Classification: Likely benign for Hereditary cancer-predisposing syndrome. Last evaluated: 2026-07-08. Review status: criteria provided, single submitter. Criteria: Ambry Variant Classification Scheme 2023. Collection method: clinical testing. Allele origin: germline.

Myriad Genetics, Inc.
Classification: Likely benign for Familial cancer of breast. Last evaluated: 2024-10-08. Review status: criteria provided, single submitter. Criteria: Myriad Autosomal Dominant, Autosomal Recessive and X-Linked Classification Criteria (2023). Collection method: clinical testing. Allele origin: unknown.
Comment: This variant is considered likely benign. This variant is intronic and is not expected to impact mRNA splicing.

Labcorp Genetics (formerly Invitae), Labcorp
Classification: Likely benign for Familial cancer of breast. Last evaluated: 2020-06-07. Review status: criteria provided, single submitter. Criteria: Invitae Variant Classification Sherloc (09022015). Collection method: clinical testing. Allele origin: germline.